The following is an entry in ClinVar:

NM_000455.5(STK11):c.603G>A (p.Leu201=)

Gene: STK11 (serine/threonine kinase 11; plus strand). Cytogenetic location: 19p13.3.
Variant type: single nucleotide variant.
Coding change: c.603G>A on transcript NM_000455.5 (MANE Select); coding-DNA position 603, G replaced by A.
Protein change: p.Leu201=; no amino-acid change (leucine 201 retained).
Molecular consequence: synonymous variant.
Genome position (GRCh38, 1-based): chr19:1,220,586, G>A. VCF-style: chr19-1220586-G-A. GRCh37 (hg19) VCF-style: chr19-1220585-G-A.
Identifiers: ClinVar variation 826150 (VCV000826150.7), dbSNP rs1599926767, ClinGen allele CA504892365.
Genomic context (GRCh38, chr19:1,220,586, plus strand): 5'-GCCCTGGGGCGCCCCCTCCCGGGCACTCCCTGAGGGCTGCACGGCACCGCCACAGGCACT[G>A]CACCCGTTCGCGGCGGACGACACCTGCCGGACCAGCCAGGGCTCCCCGGCTTTCCAGCCG-3'
Protein context (NP_000446.1, residues 191-211): KISDLGVAEA[Leu201=]HPFAADDTCR

ClinVar aggregate classification (germline): Benign/Likely benign. Review status: criteria provided, multiple submitters, no conflicts (2 of 4 stars). 3 submissions from 3 submitters: Benign (1); Likely benign (2). Last evaluated 2025-03-26.

Conditions:
Hereditary cancer-predisposing syndrome. Also called: Neoplastic Syndromes, Hereditary; Hereditary Cancer Syndrome; Hereditary neoplastic syndrome; Tumor predisposition. Identifiers: Orphanet 140162, MedGen C0027672, MeSH D009386, MONDO:0015356.
Peutz-Jeghers syndrome (PJS). Also called: Peutz-Jeghers polyposis; Periorificial lentiginosis syndrome; POLYPOSIS, HAMARTOMATOUS INTESTINAL; POLYPS-AND-SPOTS SYNDROME. Identifiers: Orphanet 2869, MedGen C0031269, MeSH D010580, MONDO:0008280, OMIM 175200.

Allele frequency attached by ClinVar (database versions not stated): gnomAD exomes below 0.00001.
gnomAD v4.1: 2 of 1,583,608 alleles (0.00013%); highest among the groups gnomAD compares: Admixed American, 0.0018%; no homozygotes.

Submissions (3):

Myriad Genetics, Inc.
Classification: Benign for Peutz-Jeghers syndrome. Last evaluated: 2025-03-26. Review status: criteria provided, single submitter. Criteria: Myriad Autosomal Dominant, Autosomal Recessive and X-Linked Classification Criteria (2023). Collection method: clinical testing. Allele origin: unknown.
Comment: This variant is considered benign. This variant is a silent/synonymous amino acid change and it is not expected to impact splicing.

Labcorp Genetics (formerly Invitae), Labcorp
Classification: Likely benign for Peutz-Jeghers syndrome. Last evaluated: 2024-05-23. Review status: criteria provided, single submitter. Criteria: Invitae Variant Classification Sherloc (09022015). Collection method: clinical testing. Allele origin: germline.

Ambry Genetics
Classification: Likely benign for Hereditary cancer-predisposing syndrome. Last evaluated: 2018-11-28. Review status: criteria provided, single submitter. Criteria: Ambry Variant Classification Scheme 2023. Collection method: clinical testing. Allele origin: germline.